The following is an entry in ClinVar:

NM_013382.7(POMT2):c.412C>T (p.His138Tyr)

Gene: POMT2 (protein O-mannosyltransferase 2; minus strand). Cytogenetic location: 14q24.3.
Variant type: single nucleotide variant.
Coding change: c.412C>T on transcript NM_013382.7 (MANE Select); coding-DNA position 412, C replaced by T.
Protein change: p.His138Tyr; replaces histidine 138 with tyrosine.
Molecular consequence: missense variant.
Genome position (GRCh38, 1-based): chr14:77,306,363, G>A on the plus strand (C>T on the coding strand, the complement: POMT2 is on the minus strand). VCF-style: chr14-77306363-G-A. GRCh37 (hg19) VCF-style: chr14-77772706-G-A.
Other names: short protein forms H138Y.
Identifiers: ClinVar variation 5039681 (VCV005039681.1).

ClinVar aggregate classification (germline): Uncertain significance (1 of 4 stars; one submission).

gnomAD v4.1: 2 of 1,612,920 alleles (0.00012%); highest among the groups gnomAD compares: Non-Finnish European, 0.00017%; no homozygotes.

Submission:

CeGaT Center for Human Genetics Tuebingen
Classification: Uncertain significance. Last evaluated: 2026-07-01. Review status: criteria provided, single submitter. Criteria: CeGaT Center For Human Genetics Tuebingen Variant Classification Criteria Version 2. Collection method: clinical testing. Allele origin: germline. Affected: yes. Observed: 1 variant allele.
Comment: POMT2: PM2, BP4